The following is an entry in ClinVar:

NM_206933.4(USH2A):c.4966A>G (p.Thr1656Ala)

Genes: USH2A (usherin; minus strand), USH2A-AS2 (USH2A antisense RNA 2; plus strand). Cytogenetic location: 1q41.
Variant type: single nucleotide variant.
Coding change: c.4966A>G on transcript NM_206933.4 (MANE Select); coding-DNA position 4966, A replaced by G.
Protein change: p.Thr1656Ala; replaces threonine 1656 with alanine.
Molecular consequence: missense variant. On other transcripts: non-coding transcript variant (2).
Genome position (GRCh38, 1-based): chr1:216,086,740, T>C on the plus strand (A>G on the coding strand, the complement: USH2A is on the minus strand). VCF-style: chr1-216086740-T-C. GRCh37 (hg19) VCF-style: chr1-216260082-T-C.
Other names: short protein forms T1656A.
Identifiers: ClinVar variation 1341616 (VCV001341616.3), dbSNP rs531169600, ClinGen allele CA37447582.
Genomic context (GRCh38, chr1:216,086,740, plus strand): 5'-GTTTGGATGACAACATATAATATACCTTACTAAACTCACCAGGATCCTTCCTGAGGATGG[T>C]ATAACTTCGCGGGAGCCCTCCCAGAAAGACTCCTGTGTTATCTCCAATAACAGTACTACC-3'
Protein context (NP_996816.3, residues 1646-1666): VFLGGLPRSY[Thr1656Ala]ILRKDPEIIQ

ClinVar aggregate classification (germline): Uncertain significance. Review status: criteria provided, multiple submitters, no conflicts (2 of 4 stars). 2 submissions from 2 submitters: Uncertain significance (2). Last evaluated 2022-02-02.

Allele frequency attached by ClinVar (database versions not stated): gnomAD 0.00001; 1000 Genomes Project 30x 0.00016; 1000 Genomes Project 0.00020.
gnomAD v4.1: 1 of 1,612,784 alleles (0.000062%); highest among the groups gnomAD compares: Non-Finnish European, 0.000085%; no homozygotes.

Submissions (2):

GeneDx
Classification: Uncertain significance. Last evaluated: 2022-02-02. Review status: criteria provided, single submitter. Criteria: GeneDx Variant Classification Process June 2021. Collection method: clinical testing. Allele origin: germline. Affected: yes.
Comment: Not observed in large population cohorts (gnomAD); In silico analysis supports that this missense variant does not alter protein structure/function; Has not been previously published as pathogenic or benign to our knowledge

Breakthrough Genomics
Classification: Uncertain significance. Review status: criteria provided, single submitter. Criteria: ACMG Guidelines, 2015. Collection method: not provided. Allele origin: germline. Inheritance: Autosomal recessive inheritance. Affected: yes.